The following is an entry in ClinVar:

ClinVar aggregate classification (germline): Pathogenic/Likely pathogenic. Review status: criteria provided, multiple submitters, no conflicts (2 of 4 stars). 3 submissions from 3 submitters: Pathogenic (1); Likely pathogenic (2). Last evaluated 2025-06-06.

Conditions:
Wilson disease (WND). Also called: Wilson's disease. Identifiers: Orphanet 905, MedGen C0019202, MONDO:0010200, OMIM 277900. Disease mechanism: loss of function.

Submissions (3):

ARUP Laboratories, Molecular Genetics and Genomics, ARUP Laboratories
Classification: Likely pathogenic for Wilson disease. Last evaluated: 2025-06-06. Review status: criteria provided, single submitter. Criteria: ARUP Molecular Germline Variant Investigation Process 2024. Collection method: clinical testing. Allele origin: germline.
Comment: The ATP7B c.2973_2974del; p.Pro992HisfsTer35 variant, to our knowledge, is not reported in the medical literature or gene specific databases. This variant is also absent from the Genome Aggregation Database (v2.1.1), indicating it is not a common polymorphism. This variant causes a frameshift by deleting 2 nucleotides, so it is predicted to result in a truncated protein or mRNA subject to nonsense-mediated decay. Based on available information, this variant is considered to be likely pathogenic.

Mayo Clinic Laboratories, Mayo Clinic
Classification: Likely pathogenic. Last evaluated: 2025-05-20. Review status: criteria provided, single submitter. Criteria: ACMG Guidelines, 2015. Collection method: clinical testing. Allele origin: germline. Observed: 1 variant allele.
Comment: PM2_supporting, PVS1

Women's Health and Genetics/Laboratory Corporation of America, LabCorp
Classification: Pathogenic for Wilson disease. Last evaluated: 2025-05-19. Review status: criteria provided, single submitter. Criteria: LabCorp Variant Classification Summary - May 2015. Collection method: clinical testing. Allele origin: germline.
Comment: Variant summary: ATP7B c.2973_2974delGC (p.Pro992HisfsX35) results in a premature termination codon, predicted to cause a truncation of the encoded protein or absence of the protein due to nonsense mediated decay, which are commonly known mechanisms for disease. The variant was absent in 248476 control chromosomes. To our knowledge, no occurrence of c.2973_2974delGC in individuals affected with Wilson Disease and no experimental evidence demonstrating its impact on protein function have been reported. A different variant affecting the same codon has been classified as likely pathogenic/pathogenic by our lab (c.2975C>T, &same_codon_pdot&), supporting the critical relevance of codon 992 to ATP7B protein function. No submitters have cited clinical-significance assessments for this variant to ClinVar. Based on the evidence outlined above, the variant was classified as pathogenic.

NM_000053.4(ATP7B):c.2973_2974del (p.Pro992fs)

Gene: ATP7B (ATPase copper transporting beta; minus strand). Cytogenetic location: 13q14.3.
Variant type: Deletion.
Coding change: c.2973_2974del on transcript NM_000053.4 (MANE Select); coding-DNA positions 2973 to 2974, 2 bases deleted (GC; older notation c.2973_2974delGC).
Protein change: p.Pro992fs; shifts the reading frame from proline 992.
Molecular consequence: frameshift variant. On other transcripts: intron variant (6).
Genome position (GRCh38, 1-based): chr13:51,946,370-51,946,371, GC deleted on the plus strand (GC on the coding strand, the reverse complement: ATP7B is on the minus strand); deleting any 2 consecutive bases within chr13:51,946,370-51,946,372 gives the same sequence; the c. name uses the placement nearest the transcript's 3' end. VCF-style (leftmost placement, unchanged base first): chr13-51946369-GGC-G. GRCh37 (hg19) VCF-style: chr13-52520505-GGC-G.
Other names: p.Pro992Hisfs*35; c.2731-2080_2731-2079del (NM_001406535.1); c.2866-2080_2866-2079del (NM_001406525.1); c.2218-2080_2218-2079del (NM_001406547.1); c.2380-2080_2380-2079del (NM_001406546.1); c.2614-2080_2614-2079del (NM_001406540.1); c.2973_2974delGC (NM_000053.4); c.2796_2797del, p.Pro933fs (NM_001406524.1); and 20 more; short protein forms P562fs, P776fs, P785fs, P798fs, P830fs, P849fs, P876fs, P881fs.
Identifiers: ClinVar variation 3902154 (VCV003902154.3).